The following is an entry in ClinVar:

NM_000092.5(COL4A4):c.2057-1G>A

Gene: COL4A4 (collagen type IV alpha 4 chain; minus strand). Cytogenetic location: 2q36.3.
Variant type: single nucleotide variant.
Coding change: c.2057-1G>A on transcript NM_000092.5 (MANE Select); the canonical splice acceptor site of the intron before coding-DNA position 2057, G replaced by A.
Molecular consequence: splice acceptor variant.
Genome position (GRCh38, 1-based): chr2:227,060,244, C>T on the plus strand (G>A on the coding strand, the complement: COL4A4 is on the minus strand). VCF-style: chr2-227060244-C-T. GRCh37 (hg19) VCF-style: chr2-227924960-C-T.
Identifiers: ClinVar variation 1469372 (VCV001469372.6), dbSNP rs2150288556, ClinGen allele CA350842479.

ClinVar aggregate classification (germline): Likely pathogenic (1 of 4 stars; one submission).

Submission:

Labcorp Genetics (formerly Invitae), Labcorp
Classification: Likely pathogenic. Last evaluated: 2022-08-30. Review status: criteria provided, single submitter. Criteria: Invitae Variant Classification Sherloc (09022015). Collection method: clinical testing. Allele origin: germline.
Comment: In summary, the currently available evidence indicates that the variant is pathogenic, but additional data are needed to prove that conclusively. Therefore, this variant has been classified as Likely Pathogenic. Algorithms developed to predict the effect of sequence changes on RNA splicing suggest that this variant may disrupt the consensus splice site. ClinVar contains an entry for this variant (Variation ID: 1469372). This variant has not been reported in the literature in individuals affected with COL4A4-related conditions. This variant is not present in population databases (gnomAD no frequency). This sequence change affects an acceptor splice site in intron 26 of the COL4A4 gene. It is expected to disrupt RNA splicing. Variants that disrupt the donor or acceptor splice site typically lead to a loss of protein function (PMID: 16199547), and loss-of-function variants in COL4A4 are known to be pathogenic (PMID: 21196518, 24854265, 25307543).

Literature cited by the submitters: PubMed 16199547; PubMed 21196518; PubMed 24854265; PubMed 25307543.